The following is an entry in ClinVar:

ClinVar aggregate classification (germline): Uncertain significance. Review status: criteria provided, multiple submitters, no conflicts (2 of 4 stars). 2 submissions from 2 submitters: Uncertain significance (2). Last evaluated 2025-09-15.

Conditions:
TNPO3-related disorder. Also called: TNPO3-related condition.
Autosomal dominant limb-girdle muscular dystrophy type 1F (LGMDD2). Also called: MUSCULAR DYSTROPHY, LIMB-GIRDLE, AUTOSOMAL DOMINANT 2; Limb-girdle muscular dystrophy, type 1F. Identifiers: Orphanet 55595, MedGen C1842062, MONDO:0012034, OMIM 608423.

gnomAD v4.1: 13 of 1,614,054 alleles (0.00081%); highest among the groups gnomAD compares: African/African-American, 0.0027%; no homozygotes.

Submissions (2):

Labcorp Genetics (formerly Invitae), Labcorp
Classification: Uncertain significance for Autosomal dominant limb-girdle muscular dystrophy type 1F. Last evaluated: 2025-09-15. Review status: criteria provided, single submitter. Criteria: Invitae Variant Classification Sherloc (09022015). Collection method: clinical testing. Allele origin: germline.
Comment: This sequence change replaces proline, which is neutral and non-polar, with arginine, which is basic and polar, at codon 847 of the TNPO3 protein (p.Pro847Arg). This variant is not present in population databases (gnomAD no frequency). This variant has not been reported in the literature in individuals affected with TNPO3-related conditions. ClinVar contains an entry for this variant (Variation ID: 1525881). Invitae Evidence Modeling of protein sequence and biophysical properties (such as structural, functional, and spatial information, amino acid conservation, physicochemical variation, residue mobility, and thermodynamic stability) indicates that this missense variant is not expected to disrupt TNPO3 protein function with a negative predictive value of 80%. In summary, the available evidence is currently insufficient to determine the role of this variant in disease. Therefore, it has been classified as a Variant of Uncertain Significance.

PreventionGenetics, part of Exact Sciences
Classification: Uncertain significance for TNPO3-related condition. Last evaluated: 2025-06-09. Review status: criteria provided, single submitter. Criteria: ACMG Guidelines, 2015. Collection method: clinical testing. Allele origin: germline.
Comment: The TNPO3 c.2540C>G variant is predicted to result in the amino acid substitution p.Pro847Arg. This variant was reported as de novo in at least one an individual with neurodevelopmental disorder (Wu et al. 2020. PubMed ID: 31674007; Lim et al. 2017. PubMed ID: 28714951; Turner et al. 2019. PubMed ID: 31785789; Zhou et al. 2022. PubMed ID: 35982159; Fu et al. 2022. PubMed ID: 35982160). This variant has been reported in 13 heterozygotes in the most recent release of the gnomAD public population database (v4.1.0). At this time, the clinical significance of this variant is uncertain due to the absence of conclusive functional and genetic evidence.

NM_012470.4(TNPO3):c.2540C>G (p.Pro847Arg)

Gene: TNPO3 (transportin 3; minus strand). Cytogenetic location: 7q32.1.
Variant type: single nucleotide variant.
Coding change: c.2540C>G on transcript NM_012470.4 (MANE Select); coding-DNA position 2540, C replaced by G.
Protein change: p.Pro847Arg; replaces proline 847 with arginine.
Molecular consequence: missense variant. On other transcripts: non-coding transcript variant (18).
Genome position (GRCh38, 1-based): chr7:128,970,206, G>C on the plus strand (C>G on the coding strand, the complement: TNPO3 is on the minus strand). VCF-style: chr7-128970206-G-C. GRCh37 (hg19) VCF-style: chr7-128610260-G-C.
Other names: c.2348C>G, p.Pro783Arg (NM_001191028.3, NM_001382223.1); c.2642C>G, p.Pro881Arg (NM_001382216.1); c.2621C>G, p.Pro874Arg (NM_001382217.1); c.2540C>G, p.Pro847Arg (NM_001382218.1); c.2432C>G, p.Pro811Arg (NM_001382219.1); c.2399C>G, p.Pro800Arg (NM_001382220.1); c.2396C>G, p.Pro799Arg (NM_001382221.1); c.2393C>G, p.Pro798Arg (NM_001382222.1); and 1 more; short protein forms P783R, P800R, P874R, P799R, P798R, P811R, P847R, P881R.
Identifiers: ClinVar variation 1525881 (VCV001525881.9), dbSNP rs1193471279, ClinGen allele CA369251968.
Genomic context (GRCh38, chr7:128,970,206, plus strand): 5'-ACCGGTCTGTCAACCTGCATGATCTCCCAGAGCACTTCAGCCACATCTGGTAGGGTATAG[G>C]GGGGGAGGCAAAAGCAGCAGGTGTGCAGCAGCTGGCTGACAAGCTGCTGTCCAAGCTGGT-3'
Protein context (NP_036602.1, residues 837-857): LLHTCCFCLP[Pro847Arg]YTLPDVAEVL